The following is an entry in ClinVar:

ClinVar aggregate classification (germline): Uncertain significance (1 of 4 stars; one submission).

Conditions:
Arrhythmogenic right ventricular dysplasia 5. Also called: ARRHYTHMOGENIC RIGHT VENTRICULAR DYSPLASIA, FAMILIAL, 5; Arrhythmogenic Right Ventricular Dysplasia/Cardiomyopathy 5. Identifiers: MedGen C1858379, MONDO:0011459, OMIM 604400.

Allele frequency attached by ClinVar (database versions not stated): gnomAD 0.00001.
gnomAD v4.1: 1 of 1,613,672 alleles (0.000062%); highest among the groups gnomAD compares: Admixed American, 0.0017%; no homozygotes.

Submission:

Labcorp Genetics (formerly Invitae), Labcorp
Classification: Uncertain significance for Arrhythmogenic right ventricular dysplasia 5. Last evaluated: 2023-09-21. Review status: criteria provided, single submitter. Criteria: Invitae Variant Classification Sherloc (09022015). Collection method: clinical testing. Allele origin: germline.
Comment: In summary, the available evidence is currently insufficient to determine the role of this variant in disease. Therefore, it has been classified as a Variant of Uncertain Significance. Advanced modeling of protein sequence and biophysical properties (such as structural, functional, and spatial information, amino acid conservation, physicochemical variation, residue mobility, and thermodynamic stability) performed at Invitae indicates that this missense variant is not expected to disrupt TMEM43 protein function. ClinVar contains an entry for this variant (Variation ID: 1406210). This variant has not been reported in the literature in individuals affected with TMEM43-related conditions. This variant is not present in population databases (gnomAD no frequency). This sequence change replaces threonine, which is neutral and polar, with serine, which is neutral and polar, at codon 60 of the TMEM43 protein (p.Thr60Ser).

NM_024334.3(TMEM43):c.178A>T (p.Thr60Ser)

Gene: TMEM43 (transmembrane protein 43; plus strand). Cytogenetic location: 3p25.1.
Variant type: single nucleotide variant.
Coding change: c.178A>T on transcript NM_024334.3 (MANE Select); coding-DNA position 178, A replaced by T.
Protein change: p.Thr60Ser; replaces threonine 60 with serine.
Molecular consequence: missense variant.
Genome position (GRCh38, 1-based): chr3:14,130,837, A>T. VCF-style: chr3-14130837-A-T. GRCh37 (hg19) VCF-style: chr3-14172337-A-T.
Other names: short protein forms T60S.
Identifiers: ClinVar variation 1406210 (VCV001406210.8), dbSNP rs1695084121, ClinGen allele CA351534511.